The following is an entry in ClinVar:

ClinVar aggregate classification (germline): Uncertain significance (1 of 4 stars; one submission).

Allele frequency attached by ClinVar (database versions not stated): gnomAD 0.00001; TOPMed 0.00002.
gnomAD v4.1: 34 of 1,613,158 alleles (0.0021%); highest among the groups gnomAD compares: Non-Finnish European, 0.0027%; no homozygotes.

Submission:

Labcorp Genetics (formerly Invitae), Labcorp
Classification: Uncertain significance. Last evaluated: 2024-02-14. Review status: criteria provided, single submitter. Criteria: Invitae Variant Classification Sherloc (09022015). Collection method: clinical testing. Allele origin: germline.
Comment: This sequence change replaces valine, which is neutral and non-polar, with glycine, which is neutral and non-polar, at codon 440 of the MYLK3 protein (p.Val440Gly). This variant is present in population databases (rs376752336, gnomAD 0.0009%). This variant has not been reported in the literature in individuals affected with MYLK3-related conditions. An algorithm developed to predict the effect of missense changes on protein structure and function (PolyPhen-2) suggests that this variant is likely to be tolerated. In summary, the available evidence is currently insufficient to determine the role of this variant in disease. Therefore, it has been classified as a Variant of Uncertain Significance.

NM_182493.3(MYLK3):c.1319T>G (p.Val440Gly)

Gene: MYLK3 (myosin light chain kinase 3; minus strand). Cytogenetic location: 16q11.2.
Variant type: single nucleotide variant.
Coding change: c.1319T>G on transcript NM_182493.3 (MANE Select); coding-DNA position 1319, T replaced by G.
Protein change: p.Val440Gly; replaces valine 440 with glycine.
Molecular consequence: missense variant.
Genome position (GRCh38, 1-based): chr16:46,732,351, A>C on the plus strand (T>G on the coding strand, the complement: MYLK3 is on the minus strand). VCF-style: chr16-46732351-A-C. GRCh37 (hg19) VCF-style: chr16-46766263-A-C.
Other names: c.296T>G, p.Val99Gly (NM_001308301.1); short protein forms V99G, V440G.
Identifiers: ClinVar variation 2980522 (VCV002980522.3), dbSNP rs376752336, ClinGen allele CA8038016.